The following is an entry in ClinVar:

NM_001379110.1(SLC9A6):c.1721G>A (p.Cys574Tyr)

Gene: SLC9A6 (solute carrier family 9 member A6; plus strand). Cytogenetic location: Xq26.3.
Variant type: single nucleotide variant.
Coding change: c.1721G>A on transcript NM_001379110.1 (MANE Select); coding-DNA position 1721, G replaced by A.
Protein change: p.Cys574Tyr; replaces cysteine 574 with tyrosine.
Molecular consequence: missense variant.
Genome position (GRCh38, 1-based): chrX:136,040,135, G>A. VCF-style: chrX-136040135-G-A. GRCh37 (hg19) VCF-style: chrX-135122294-G-A.
Other names: c.1787G>A, p.Cys596Tyr (NM_001042537.2); c.1631G>A, p.Cys544Tyr (NM_001177651.2); c.1535G>A, p.Cys512Tyr (NM_001330652.2); c.1691G>A, p.Cys564Tyr (NM_006359.3); short protein forms C564Y, C512Y, C544Y, C574Y, C596Y.
Identifiers: ClinVar variation 1364900 (VCV001364900.8), dbSNP rs2148211264, ClinGen allele CA414756129.

ClinVar aggregate classification (germline): Uncertain significance (1 of 4 stars; one submission).

Conditions:
Christianson syndrome (MRXSCH). Also called: X-linked mental retardation, syndromic, Christianson type; INTELLECTUAL DEVELOPMENTAL DISORDER, X-LINKED, SYNDROMIC, CHRISTIANSON TYPE; SLC9A6-Related Syndromic Mental Retardation. Identifiers: Orphanet 85278, MedGen C2678194, MONDO:0010278, OMIM 300243.

Submission:

Labcorp Genetics (formerly Invitae), Labcorp
Classification: Uncertain significance for Christianson syndrome. Last evaluated: 2021-07-01. Review status: criteria provided, single submitter. Criteria: Invitae Variant Classification Sherloc (09022015). Collection method: clinical testing. Allele origin: germline.
Comment: This sequence change replaces cysteine with tyrosine at codon 564 of the SLC9A6 protein (p.Cys564Tyr). The cysteine residue is moderately conserved and there is a large physicochemical difference between cysteine and tyrosine. This variant is not present in population databases (ExAC no frequency). This variant has not been reported in the literature in individuals affected with SLC9A6-related conditions. Algorithms developed to predict the effect of missense changes on protein structure and function (SIFT, PolyPhen-2, Align-GVGD) all suggest that this variant is likely to be tolerated. In summary, the available evidence is currently insufficient to determine the role of this variant in disease. Therefore, it has been classified as a Variant of Uncertain Significance.